The following is an entry in ClinVar:

ClinVar aggregate classification (germline): Uncertain significance. Review status: criteria provided, multiple submitters, no conflicts (2 of 4 stars). 2 submissions from 2 submitters: Uncertain significance (2). Last evaluated 2024-12-26.

gnomAD v4.1: 13 of 1,611,750 alleles (0.00081%); highest among the groups gnomAD compares: South Asian, 0.011%; no homozygotes.

Submissions (2):

Labcorp Genetics (formerly Invitae), Labcorp
Classification: Uncertain significance. Last evaluated: 2024-12-26. Review status: criteria provided, single submitter. Criteria: Invitae Variant Classification Sherloc (09022015). Collection method: clinical testing. Allele origin: germline.
Comment: This sequence change replaces proline, which is neutral and non-polar, with leucine, which is neutral and non-polar, at codon 327 of the CBX2 protein (p.Pro327Leu). This variant is present in population databases (rs782749154, gnomAD 0.02%). This variant has not been reported in the literature in individuals affected with CBX2-related conditions. Invitae Evidence Modeling of protein sequence and biophysical properties (such as structural, functional, and spatial information, amino acid conservation, physicochemical variation, residue mobility, and thermodynamic stability) indicates that this missense variant is not expected to disrupt CBX2 protein function with a negative predictive value of 80%. In summary, the available evidence is currently insufficient to determine the role of this variant in disease. Therefore, it has been classified as a Variant of Uncertain Significance.

Ambry Genetics
Classification: Uncertain significance. Last evaluated: 2024-12-25. Review status: criteria provided, single submitter. Criteria: Ambry Variant Classification Scheme 2023. Collection method: clinical testing. Allele origin: germline.

NM_005189.3(CBX2):c.980C>T (p.Pro327Leu)

Gene: CBX2 (chromobox 2; plus strand). Cytogenetic location: 17q25.3.
Variant type: single nucleotide variant.
Coding change: c.980C>T on transcript NM_005189.3 (MANE Select); coding-DNA position 980, C replaced by T.
Protein change: p.Pro327Leu; replaces proline 327 with leucine.
Molecular consequence: missense variant.
Genome position (GRCh38, 1-based): chr17:79,784,423, C>T. VCF-style: chr17-79784423-C-T. GRCh37 (hg19) VCF-style: chr17-77758222-C-T.
Other names: c.980C>T (NM_005189.2); short protein forms P327L.
Identifiers: ClinVar variation 3605660 (VCV003605660.3).